The following is an entry in ClinVar:

NM_001365951.3(KIF1B):c.1315C>T (p.Leu439Phe)

Gene: KIF1B (kinesin family member 1B; plus strand). Cytogenetic location: 1p36.22.
Variant type: single nucleotide variant.
Coding change: c.1315C>T on transcript NM_001365951.3 (MANE Select); coding-DNA position 1315, C replaced by T.
Protein change: p.Leu439Phe; replaces leucine 439 with phenylalanine.
Molecular consequence: missense variant.
Genome position (GRCh38, 1-based): chr1:10,282,414, C>T. VCF-style: chr1-10282414-C-T. GRCh37 (hg19) VCF-style: chr1-10342472-C-T.
Other names: c.1315C>T, p.Leu439Phe (NM_001365952.1); c.1177C>T, p.Leu393Phe (NM_001365953.1, NM_015074.3, NM_183416.4); short protein forms L393F, L439F.
Identifiers: ClinVar variation 2561688 (VCV002561688.3), dbSNP rs1649455037, ClinGen allele CA338336169.

ClinVar aggregate classification (germline): Uncertain significance (1 of 4 stars; one submission).

Allele frequency attached by ClinVar (database versions not stated): gnomAD exomes below 0.00001; gnomAD 0.00001.
gnomAD v4.1: 3 of 1,614,034 alleles (0.00019%); highest among the groups gnomAD compares: Admixed American, 0.0017%; no homozygotes.

Submission:

Ambry Genetics
Classification: Uncertain significance. Last evaluated: 2025-11-26. Review status: criteria provided, single submitter. Criteria: Ambry Variant Classification Scheme 2023. Collection method: clinical testing. Allele origin: germline.
Comment: The p.L393F variant (also known as c.1177C>T), located in coding exon 12 of the KIF1B gene, results from a C to T substitution at nucleotide position 1177. The leucine at codon 393 is replaced by phenylalanine, an amino acid with highly similar properties. This amino acid position is conserved. In addition, the in silico prediction for this alteration is inconclusive. Since supporting evidence is limited at this time, the clinical significance of this alteration remains unclear.